The following is an entry in ClinVar:

NM_005051.3(QARS1):c.1009_1012del (p.Asp337fs)

Gene: QARS1 (glutaminyl-tRNA synthetase 1; minus strand). Cytogenetic location: 3p21.31.
Variant type: Deletion.
Coding change: c.1009_1012del on transcript NM_005051.3 (MANE Select); coding-DNA positions 1009 to 1012, 4 bases deleted (GACT; older notation c.1009_1012delGACT).
Protein change: p.Asp337fs; shifts the reading frame from aspartic acid 337.
Molecular consequence: frameshift variant. On other transcripts: non-coding transcript variant (1).
Genome position (GRCh38, 1-based): chr3:49,100,423-49,100,426, AGTC deleted on the plus strand (GACT on the coding strand, the reverse complement: QARS1 is on the minus strand); deleting any 4 consecutive bases within chr3:49,100,423-49,100,428 gives the same sequence; the c. name uses the placement nearest the transcript's 3' end. VCF-style (leftmost placement, unchanged base first): chr3-49100422-TAGTC-T. GRCh37 (hg19) VCF-style: chr3-49137855-TAGTC-T.
Other names: c.976_979del, p.Asp326fs (NM_001272073.2); short protein forms D337fs, D326fs.
Identifiers: ClinVar variation 863518 (VCV000863518.9), dbSNP rs1186557939, ClinGen allele CA543047903.

ClinVar aggregate classification (germline): Pathogenic. Review status: criteria provided, multiple submitters, no conflicts (2 of 4 stars). 2 submissions from 2 submitters: Pathogenic (2). Last evaluated 2024-12-26.

Conditions:
Diffuse cerebral and cerebellar atrophy - intractable seizures - progressive microcephaly syndrome. Also called: Microcephaly, progressive, with seizures and cerebral and cerebellar atrophy. Identifiers: Orphanet 404437, MedGen C4014239, MONDO:0014335, OMIM 615760.

Submissions (2):

Labcorp Genetics (formerly Invitae), Labcorp
Classification: Pathogenic for Diffuse cerebral and cerebellar atrophy - intractable seizures - progressive microcephaly syndrome. Last evaluated: 2024-12-26. Review status: criteria provided, single submitter. Criteria: Invitae Variant Classification Sherloc (09022015). Collection method: clinical testing. Allele origin: germline.
Comment: This sequence change creates a premature translational stop signal (p.Asp337Ilefs*67) in the QARS gene. It is expected to result in an absent or disrupted protein product. Loss-of-function variants in QARS are known to be pathogenic (PMID: 24656866, 25471517). This variant is present in population databases (no rsID available, gnomAD 0.003%). This variant has not been reported in the literature in individuals affected with QARS-related conditions. ClinVar contains an entry for this variant (Variation ID: 863518). For these reasons, this variant has been classified as Pathogenic.

Institute for Clinical Genetics, University Hospital TU Dresden, University Hospital TU Dresden
Classification: Pathogenic. Last evaluated: 2021-11-03. Review status: criteria provided, single submitter. Criteria: ACMG Guidelines, 2015. Collection method: clinical testing. Allele origin: germline.

Literature cited by the submitters: PubMed 24656866 (cited by Labcorp Genetics (formerly Invitae), Labcorp); PubMed 25471517 (cited by Labcorp Genetics (formerly Invitae), Labcorp).